The following is an entry in ClinVar:

NM_003151.4(STAT4):c.1256G>A (p.Cys419Tyr)

Gene: STAT4 (signal transducer and activator of transcription 4; minus strand). Cytogenetic location: 2q32.2.
Variant type: single nucleotide variant.
Coding change: c.1256G>A on transcript NM_003151.4 (MANE Select); coding-DNA position 1256, G replaced by A.
Protein change: p.Cys419Tyr; replaces cysteine 419 with tyrosine.
Molecular consequence: missense variant.
Genome position (GRCh38, 1-based): chr2:191,041,144, C>T on the plus strand (G>A on the coding strand, the complement: STAT4 is on the minus strand). VCF-style: chr2-191041144-C-T. GRCh37 (hg19) VCF-style: chr2-191905870-C-T.
Other names: c.1256G>A, p.Cys419Tyr (NM_001243835.2); short protein forms C419Y.
Identifiers: ClinVar variation 1396866 (VCV001396866.8), dbSNP rs1353266416, ClinGen allele CA349911602.
Genomic context (GRCh38, chr2:191,041,144, plus strand): 5'-CCATAGAGGCAGATCTGTGTTTCAAACGTTATGGAATGAAGTTCTTCAGTCACCATGTGA[C>T]AGCCCTAAGGAAGAGAGAAATAAATTGTTACCTCACAAATGCATACTCACTATCTAATAG-3'
Protein context (NP_003142.1, residues 409-429): SSAGGKGNEG[Cys419Tyr]HMVTEELHSI

ClinVar aggregate classification (germline): Uncertain significance (1 of 4 stars; one submission).

Allele frequency attached by ClinVar (database versions not stated): gnomAD 0.00001 and 0.00002; TOPMed 0.00002.

Submission:

Labcorp Genetics (formerly Invitae), Labcorp
Classification: Uncertain significance. Last evaluated: 2025-08-17. Review status: criteria provided, single submitter. Criteria: Invitae Variant Classification Sherloc (09022015). Collection method: clinical testing. Allele origin: germline.
Comment: This sequence change replaces cysteine, which is neutral and slightly polar, with tyrosine, which is neutral and polar, at codon 419 of the STAT4 protein (p.Cys419Tyr). This variant is present in population databases (no rsID available, gnomAD 0.0009%). This variant has not been reported in the literature in individuals affected with STAT4-related conditions. ClinVar contains an entry for this variant (Variation ID: 1396866). An algorithm developed to predict the effect of missense changes on protein structure and function (PolyPhen-2) suggests that this variant is likely to be tolerated. In summary, the available evidence is currently insufficient to determine the role of this variant in disease. Therefore, it has been classified as a Variant of Uncertain Significance.